The following is an entry in ClinVar:

ClinVar aggregate classification (germline): Benign. Review status: criteria provided, multiple submitters, no conflicts (2 of 4 stars). 3 submissions from 3 submitters: Benign (3). Last evaluated 2016-10-20.

Allele frequency attached by ClinVar (database versions not stated): gnomAD exomes 0.00163 and 0.00068; 1000 Genomes Project 30x 0.00593; 1000 Genomes Project 0.00599; gnomAD 0.00649 and 0.00706; TOPMed 0.00736; ExAC 0.00214; ESP Exome Variant Server 0.00769.

Submissions (3):

GeneDx
Classification: Benign. Last evaluated: 2016-10-20. Review status: criteria provided, single submitter. Criteria: GeneDx Variant Classification (06012015). Collection method: clinical testing. Allele origin: germline. Affected: yes.
Comment: This variant is considered likely benign or benign based on one or more of the following criteria: it is a conservative change, it occurs at a poorly conserved position in the protein, it is predicted to be benign by multiple in silico algorithms, and/or has population frequency not consistent with disease.

Laboratory for Molecular Medicine, Mass General Brigham Personalized Medicine
Classification: Benign. Last evaluated: 2014-11-24. Review status: criteria provided, single submitter. Criteria: LMM Criteria. Collection method: clinical testing. Allele origin: germline. Observed: 4 variant alleles.
Comment: Ser78Leu in exon 1 of MURC: This variant is not expected to have clinical signif icance because it has been identified in 2.3% (100/4406) of African American chr omosomes from a broad population by the NHLBI Exome Sequencing Project (dbSNP rs73657328).

Breakthrough Genomics
Classification: Benign. Review status: criteria provided, single submitter. Criteria: ACMG Guidelines, 2015. Collection method: not provided. Allele origin: germline. Inheritance: Unknown mechanism. Affected: yes.

NM_001018116.2(CAVIN4):c.233C>T (p.Ser78Leu)

Gene: CAVIN4 (caveolae associated protein 4; plus strand). Cytogenetic location: 9q31.1.
Variant type: single nucleotide variant.
Coding change: c.233C>T on transcript NM_001018116.2 (MANE Select); coding-DNA position 233, C replaced by T.
Protein change: p.Ser78Leu; replaces serine 78 with leucine.
Molecular consequence: missense variant.
Genome position (GRCh38, 1-based): chr9:100,578,376, C>T. VCF-style: chr9-100578376-C-T. GRCh37 (hg19) VCF-style: chr9-103340658-C-T.
Other names: short protein forms S78L.
Identifiers: ClinVar variation 226739 (VCV000226739.5), dbSNP rs73657328, ClinGen allele CA5160012.